The following is an entry in ClinVar:

ClinVar aggregate classification (germline): Likely pathogenic (1 of 4 stars; one submission).

Conditions:
Primary ciliary dyskinesia 3. Identifiers: Orphanet 244, MedGen C1837618, MONDO:0012085, OMIM 608644.

gnomAD v4.1: 1 of 1,614,088 alleles (0.000062%); highest among the groups gnomAD compares: South Asian, 0.0011%; no homozygotes.

Submission:

Variantyx, Inc.
Classification: Likely pathogenic for Primary ciliary dyskinesia 3. Last evaluated: 2025-05-05. Review status: criteria provided, single submitter. Criteria: Variantyx Assertion Criteria 2022. Collection method: clinical testing. Allele origin: germline. Inheritance: Autosomal recessive inheritance.
Comment: This is a nonsense variant in the DNAH5 gene (OMIM: 603335). Pathogenic variants in this gene have been associated with autosomal recessive primary ciliary dyskinesia 3. This variant introduces a premature termination codon in exon 42 out of 79 and is expected to result in loss of function, which is a known disease mechanism for DNAH5 in this disorder (PMID: 11788826, 16627867) (PVS1). This variant has a 0.0012% maximum allele frequency in non-founder control populations (PM2). Based on the current evidence, this variant is classified as likely pathogenic for autosomal recessive primary ciliary dyskinesia 3.

Literature cited by the submitters: PubMed 11788826; PubMed 16627867.

NM_001369.3(DNAH5):c.6974T>A (p.Leu2325Ter)

Gene: DNAH5 (dynein axonemal heavy chain 5; minus strand). Cytogenetic location: 5p15.2.
Variant type: single nucleotide variant.
Coding change: c.6974T>A on transcript NM_001369.3 (MANE Select); coding-DNA position 6974, T replaced by A.
Protein change: p.Leu2325Ter; replaces leucine 2325 with a stop codon.
Molecular consequence: nonsense.
Genome position (GRCh38, 1-based): chr5:13,817,562, A>T on the plus strand (T>A on the coding strand, the complement: DNAH5 is on the minus strand). VCF-style: chr5-13817562-A-T. GRCh37 (hg19) VCF-style: chr5-13817671-A-T.
Other names: short protein forms L2325*.
Identifiers: ClinVar variation 4813770 (VCV004813770.1).